The following is an entry in ClinVar:

NM_001267550.2(TTN):c.69364A>T (p.Lys23122Ter)

Genes: TTN-AS1 (TTN antisense RNA 1; plus strand), TTN (titin; minus strand). Cytogenetic location: 2q31.2.
Variant type: single nucleotide variant.
Coding change: c.69364A>T on transcript NM_001267550.2 (MANE Select); coding-DNA position 69364, A replaced by T.
Protein change: p.Lys23122Ter; replaces lysine 23122 with a stop codon.
Molecular consequence: nonsense.
Genome position (GRCh38, 1-based): chr2:178,576,971, T>A on the plus strand (A>T on the coding strand, the complement: TTN is on the minus strand). VCF-style: chr2-178576971-T-A. GRCh37 (hg19) VCF-style: chr2-179441698-T-A.
Other names: c.64441A>T, p.Lys21481Ter (NM_001256850.1); c.42169A>T, p.Lys14057Ter (NM_003319.4); c.61660A>T, p.Lys20554Ter (NM_133378.4); c.42544A>T, p.Lys14182Ter (NM_133432.3); c.42745A>T, p.Lys14249Ter (NM_133437.4); short protein forms K14249*, K21481*, K23122*, K14057*, K14182*, K20554*.
Identifiers: ClinVar variation 4791382 (VCV004791382.1).

ClinVar aggregate classification (germline): Likely pathogenic (1 of 4 stars; one submission).

Conditions:
Autosomal recessive limb-girdle muscular dystrophy type 2J (LGMDR10). Also called: Limb-girdle muscular dystrophy, type 2J; MUSCULAR DYSTROPHY, LIMB-GIRDLE, AUTOSOMAL RECESSIVE 10. Identifiers: Orphanet 140922, MedGen C1837342, MONDO:0012127, OMIM 608807.
Dilated cardiomyopathy 1G (CMD1G). Identifiers: Orphanet 154, MedGen C1858763, MONDO:0011400, OMIM 604145.

Submission:

Labcorp Genetics (formerly Invitae), Labcorp
Classification: Likely pathogenic for Dilated cardiomyopathy 1G; Autosomal recessive limb-girdle muscular dystrophy type 2J. Last evaluated: 2025-08-17. Review status: criteria provided, single submitter. Criteria: Invitae Variant Classification Sherloc (09022015). Collection method: clinical testing. Allele origin: germline.
Comment: This sequence change creates a premature translational stop signal (p.Lys23122*) in the TTN gene. While this is not anticipated to result in nonsense mediated decay, it is expected to create a truncated TTN protein. This variant is not present in population databases (gnomAD no frequency). This variant has not been reported in the literature in individuals affected with TTN-related conditions. This variant is located in the A band of TTN (PMID: 25589632). Truncating variants in this region are significantly overrepresented in patients affected with dilated cardiomyopathy (PMID: 25589632). Truncating variants in this region have also been reported in individuals affected with autosomal recessive centronuclear myopathy (PMID: 23975875). In summary, the currently available evidence indicates that the variant is pathogenic, but additional data are needed to prove that conclusively. Therefore, this variant has been classified as Likely Pathogenic.

Literature cited by the submitters: PubMed 25589632; PubMed 23975875.